The following is an entry in ClinVar:

NM_004984.4(KIF5A):c.2936G>T (p.Gly979Val)

Gene: KIF5A (kinesin family member 5A; plus strand). Cytogenetic location: 12q13.3.
Variant type: single nucleotide variant.
Coding change: c.2936G>T on transcript NM_004984.4 (MANE Select); coding-DNA position 2936, G replaced by T.
Protein change: p.Gly979Val; replaces glycine 979 with valine.
Molecular consequence: missense variant.
Genome position (GRCh38, 1-based): chr12:57,581,896, G>T. VCF-style: chr12-57581896-G-T. GRCh37 (hg19) VCF-style: chr12-57975679-G-T.
Other names: c.2669G>T, p.Gly890Val (NM_001354705.2); short protein forms G979V, G890V.
Identifiers: ClinVar variation 3689616 (VCV003689616.2).

ClinVar aggregate classification (germline): Uncertain significance (1 of 4 stars; one submission).

Conditions:
Spastic paraplegia. Identifiers: MedGen C0037772, HP:0001258.

Submission:

Labcorp Genetics (formerly Invitae), Labcorp
Classification: Uncertain significance for Spastic paraplegia. Last evaluated: 2024-06-21. Review status: criteria provided, single submitter. Criteria: Invitae Variant Classification Sherloc (09022015). Collection method: clinical testing. Allele origin: germline.
Comment: This sequence change replaces glycine, which is neutral and non-polar, with valine, which is neutral and non-polar, at codon 979 of the KIF5A protein (p.Gly979Val). This variant is not present in population databases (gnomAD no frequency). This variant has not been reported in the literature in individuals affected with KIF5A-related conditions. Advanced modeling of protein sequence and biophysical properties (such as structural, functional, and spatial information, amino acid conservation, physicochemical variation, residue mobility, and thermodynamic stability) performed at Invitae indicates that this missense variant is not expected to disrupt KIF5A protein function with a negative predictive value of 95%. In summary, the available evidence is currently insufficient to determine the role of this variant in disease. Therefore, it has been classified as a Variant of Uncertain Significance.